The following is an entry in ClinVar:

NM_014795.4(ZEB2):c.178_190delinsGTT (p.Thr60fs)

Gene: ZEB2 (zinc finger E-box binding homeobox 2; minus strand). Cytogenetic location: 2q22.3.
Variant type: Indel.
Coding change: c.178_190delinsGTT on transcript NM_014795.4 (MANE Select); coding-DNA positions 178 to 190, ACGAGTCCAGCTA replaced by GTT.
Protein change: p.Thr60fs; shifts the reading frame from threonine 60.
Molecular consequence: frameshift variant.
Genome position (GRCh38, 1-based): chr2:144,429,910-144,429,922, TAGCTGGACTCGT replaced by AAC on the plus strand (ACGAGTCCAGCTA replaced by GTT on the coding strand, the reverse complement: ZEB2 is on the minus strand). VCF-style: chr2-144429910-TAGCTGGACTCGT-AAC. GRCh37 (hg19) VCF-style: chr2-145187477-TAGCTGGACTCGT-AAC.
Other names: c.178_190delinsGTT, p.Thr60fs (NM_001171653.2); short protein forms T60fs.
Identifiers: ClinVar variation 181758 (VCV000181758.1), dbSNP rs730881215, ClinGen allele CA297636.

ClinVar aggregate classification (germline): Pathogenic (1 of 4 stars; one submission).

Conditions:
Mowat-Wilson syndrome (MOWS). Also called: Classic Mowat-Wilson Syndrome. Identifiers: Orphanet 2152, MedGen C1856113, MONDO:0009341, OMIM 235730.

Submission:

GeneDx
Classification: Pathogenic for Mowat-Wilson Syndrome: Autosomal dominant inheritence. Last evaluated: 2014-03-11. Review status: criteria provided, single submitter. Criteria: GeneDx Variant Classification (06012015). Collection method: clinical testing. Allele origin: germline. Affected: yes.
Comment: This mutation is denoted as c.178_190delinsGTT at the cDNA level and p.Thr60ValfsX12 (T60VfsX12) at the protein level; it is in exon 3 of the ZEB2 gene (NM_014795.3). The normal sequence with the bases that are deleted in braces and the bases that are inserted in brackets is: GGAG{ACGAGTCCAGCTA}[GTT]GTGT. The c.178_190delinsGTT mutation in the ZEB2 gene causes a frameshift starting with codon Threonine 60, changes this amino acid to a Valine residue and creates a premature Stop codon at position 12 of the new reading frame, denoted p.Thr60ValfsX12. This mutation is predicted to cause loss of normal protein function either through protein truncation or nonsense-mediated mRNA decay. Although this mutation has not been reported previously to our knowledge, other frameshift mutations have been reported in the ZEB2 gene. Therefore, the presence of c.178_190delinsGTT is consistent with the diagnosis of Mowat-Wilson syndrome, an autosomal dominant disorder. The variant is found in RETT-EPI panel(s).